The following is an entry in ClinVar:

NM_000552.5(VWF):c.1789C>T (p.Arg597Cys)

Gene: VWF (von Willebrand factor; minus strand). Cytogenetic location: 12p13.31.
Variant type: single nucleotide variant.
Coding change: c.1789C>T on transcript NM_000552.5 (MANE Select); coding-DNA position 1789, C replaced by T.
Protein change: p.Arg597Cys; replaces arginine 597 with cysteine.
Molecular consequence: missense variant.
Genome position (GRCh38, 1-based): chr12:6,057,013, G>A on the plus strand (C>T on the coding strand, the complement: VWF is on the minus strand). VCF-style: chr12-6057013-G-A. GRCh37 (hg19) VCF-style: chr12-6166179-G-A.
Other names: short protein forms R597C.
Identifiers: ClinVar variation 3767594 (VCV003767594.1).

ClinVar aggregate classification (germline): Uncertain significance (1 of 4 stars; one submission).

gnomAD v4.1: 15 of 1,550,048 alleles (0.00097%); highest among the groups gnomAD compares: African/African-American, 0.0068%; no homozygotes.

Submission:

GeneDx
Classification: Uncertain significance. Last evaluated: 2024-09-09. Review status: criteria provided, single submitter. Criteria: GeneDx Variant Classification Process June 2021. Collection method: clinical testing. Allele origin: germline. Affected: yes.
Comment: In silico analysis indicates that this missense variant does not alter protein structure/function; Has not been previously published as pathogenic or benign to our knowledge